The following is an entry in ClinVar:

NM_004817.4(TJP2):c.619C>T (p.Gln207Ter)

Gene: TJP2 (tight junction protein 2; plus strand). Cytogenetic location: 9q21.11.
Variant type: single nucleotide variant.
Coding change: c.619C>T on transcript NM_004817.4 (MANE Select); coding-DNA position 619, C replaced by T.
Protein change: p.Gln207Ter; replaces glutamine 207 with a stop codon.
Molecular consequence: nonsense.
Genome position (GRCh38, 1-based): chr9:69,221,163, C>T. VCF-style: chr9-69221163-C-T. GRCh37 (hg19) VCF-style: chr9-71836079-C-T.
Other names: c.712C>T (NM_001170416.1); c.550C>T, p.Gln184Ter (NM_001170414.2, NM_001369870.1, NM_001369871.1); c.631C>T, p.Gln211Ter (NM_001170415.1, NM_001369874.1, NM_001369875.1); c.712C>T, p.Gln238Ter (NM_001170416.2); c.619C>T, p.Gln207Ter (NM_001369872.1, NM_001369873.1, NM_201629.3); short protein forms Q184*, Q211*, Q207*, Q238*.
Identifiers: ClinVar variation 1965615 (VCV001965615.6), dbSNP rs2538448383, ClinGen allele CA373528769.

ClinVar aggregate classification (germline): Pathogenic/Likely pathogenic. Review status: criteria provided, multiple submitters, no conflicts (2 of 4 stars). 2 submissions from 2 submitters: Pathogenic (1); Likely pathogenic (1). Last evaluated 2022-08-21.

Conditions:
Cholestasis, progressive familial intrahepatic, 4. Identifiers: Orphanet 480483, Orphanet 79304, MedGen C2931067, MONDO:0014381, OMIM 615878.

Allele frequency attached by ClinVar (database versions not stated): gnomAD exomes below 0.00001.
gnomAD v4.1: 2 of 1,597,096 alleles (0.00013%); highest among the groups gnomAD compares: South Asian, 0.0022%; no homozygotes.

Submissions (2):

Labcorp Genetics (formerly Invitae), Labcorp
Classification: Pathogenic. Last evaluated: 2022-08-21. Review status: criteria provided, single submitter. Criteria: Invitae Variant Classification Sherloc (09022015). Collection method: clinical testing. Allele origin: germline.
Comment: This variant is not present in population databases (gnomAD no frequency). This sequence change creates a premature translational stop signal (p.Gln207*) in the TJP2 gene. It is expected to result in an absent or disrupted protein product. Loss-of-function variants in TJP2 are known to be pathogenic (PMID: 24614073, 25921221, 28039895). This variant has not been reported in the literature in individuals affected with TJP2-related conditions. For these reasons, this variant has been classified as Pathogenic.

Rolfs Rare Disease Consulting, Rolfs Consulting Und Verwaltungs GmbH
Classification: Likely pathogenic for Cholestasis, progressive familial intrahepatic, 4. Last evaluated: 2020-01-01. Review status: criteria provided, single submitter. Criteria: ACMG Guidelines, 2015. Collection method: clinical testing. Allele origin: germline. Affected: yes.

Literature cited by the submitters: PubMed 24614073 (cited by Labcorp Genetics (formerly Invitae), Labcorp); PubMed 25921221 (cited by Labcorp Genetics (formerly Invitae), Labcorp); PubMed 28039895 (cited by Labcorp Genetics (formerly Invitae), Labcorp).